The following is an entry in ClinVar:

ClinVar aggregate classification (germline): Likely benign. Review status: criteria provided, single submitter (1 of 4 stars). 2 submissions from 2 submitters: Likely benign (1). 1 of the submissions does not count toward it. Last evaluated 2025-10-07.

Conditions:
RAI1-related disorder. Also called: RAI1-related condition.

Allele frequency attached by ClinVar (database versions not stated): gnomAD 0.00001; TOPMed 0.00002; ExAC 0.00004; gnomAD exomes 0.00004.
gnomAD v4.1: 54 of 1,613,892 alleles (0.0033%); highest among the groups gnomAD compares: Admixed American, 0.0083%; no homozygotes.

Submissions (2):

Labcorp Genetics (formerly Invitae), Labcorp
Classification: Likely benign. Last evaluated: 2025-10-07. Review status: criteria provided, single submitter. Criteria: Invitae Variant Classification Sherloc (09022015). Collection method: clinical testing. Allele origin: germline.

PreventionGenetics, part of Exact Sciences
Classification: Likely benign for RAI1-related condition. Last evaluated: 2020-09-08. Review status: no assertion criteria provided. Collection method: clinical testing. Allele origin: germline. Not counted in ClinVar's aggregate classification.
Comment: This variant is classified as likely benign based on ACMG/AMP sequence variant interpretation guidelines (Richards et al. 2015 PMID: 25741868, with internal and published modifications).

NM_030665.4(RAI1):c.2214G>A (p.Ala738=)

Gene: RAI1 (retinoic acid induced 1; plus strand). Cytogenetic location: 17p11.2.
Variant type: single nucleotide variant.
Coding change: c.2214G>A on transcript NM_030665.4 (MANE Select); coding-DNA position 2214, G replaced by A.
Protein change: p.Ala738=; no amino-acid change (alanine 738 retained).
Molecular consequence: synonymous variant.
Genome position (GRCh38, 1-based): chr17:17,795,162, G>A. VCF-style: chr17-17795162-G-A. GRCh37 (hg19) VCF-style: chr17-17698476-G-A.
Other names: c.2214G>A (NM_030665.3).
Identifiers: ClinVar variation 2084059 (VCV002084059.6), dbSNP rs201200662, ClinGen allele CA8418491.